The following is an entry in ClinVar:

ClinVar aggregate classification (germline): Uncertain significance (1 of 4 stars; one submission).

Conditions:
Majeed syndrome (MJDS). Also called: LPIN2-Related Majeed Syndrome; CHRONIC RECURRENT MULTIFOCAL OSTEOMYELITIS 1, WITH CONGENITAL DYSERYTHROPOIETIC ANEMIA, WITH OR WITHOUT NEUTROPHILIC DERMATOSIS. Identifiers: Orphanet 77297, MedGen C1864997, MONDO:0012316, OMIM 609628.

Allele frequency attached by ClinVar (database versions not stated): ExAC 0.00001; gnomAD exomes 0.00001 and 0.00002; gnomAD 0.00002; TOPMed 0.00004.
gnomAD v4.1: 29 of 1,613,984 alleles (0.0018%); highest among the groups gnomAD compares: Admixed American, 0.005%; no homozygotes.

Submission:

Labcorp Genetics (formerly Invitae), Labcorp
Classification: Uncertain significance for Majeed syndrome. Last evaluated: 2022-02-20. Review status: criteria provided, single submitter. Criteria: Invitae Variant Classification Sherloc (09022015). Collection method: clinical testing. Allele origin: germline.
Comment: This sequence change replaces asparagine, which is neutral and polar, with serine, which is neutral and polar, at codon 752 of the LPIN2 protein (p.Asn752Ser). This variant is present in population databases (rs767620772, gnomAD 0.0009%). This variant has not been reported in the literature in individuals affected with LPIN2-related conditions. Algorithms developed to predict the effect of missense changes on protein structure and function are either unavailable or do not agree on the potential impact of this missense change (SIFT: "Tolerated"; PolyPhen-2: "Probably Damaging"; Align-GVGD: "Class C0"). Algorithms developed to predict the effect of sequence changes on RNA splicing suggest that this variant may create or strengthen a splice site. In summary, the available evidence is currently insufficient to determine the role of this variant in disease. Therefore, it has been classified as a Variant of Uncertain Significance.

NM_001375808.2(LPIN2):c.2255A>G (p.Asn752Ser)

Gene: LPIN2 (lipin 2; minus strand). Cytogenetic location: 18p11.31.
Variant type: single nucleotide variant.
Coding change: c.2255A>G on transcript NM_001375808.2 (MANE Select); coding-DNA position 2255, A replaced by G.
Protein change: p.Asn752Ser; replaces asparagine 752 with serine.
Molecular consequence: missense variant.
Genome position (GRCh38, 1-based): chr18:2,922,119, T>C on the plus strand (A>G on the coding strand, the complement: LPIN2 is on the minus strand). VCF-style: chr18-2922119-T-C. GRCh37 (hg19) VCF-style: chr18-2922117-T-C.
Other names: c.2255A>G, p.Asn752Ser (NM_001375809.1, NM_014646.2); short protein forms N752S.
Identifiers: ClinVar variation 1405444 (VCV001405444.7), dbSNP rs767620772, ClinGen allele CA8872793.